The following is an entry in ClinVar:

ClinVar aggregate classification (germline): Uncertain significance. Review status: criteria provided, multiple submitters, no conflicts (2 of 4 stars). 7 submissions from 3 submitters: Uncertain significance (7). Last evaluated 2023-04-11.

Conditions:
Dystonia 9 (DYT9). Also called: CHOREOATHETOSIS, KINESIGENIC, WITH EPISODIC ATAXIA AND SPASTICITY. Identifiers: Orphanet 53583, MedGen C1832855, MONDO:0010983, OMIM 601042.
Epilepsy, idiopathic generalized, susceptibility to, 12 (EIG12). Identifiers: MedGen C3553859, MONDO:0013919, OMIM 614847.
GLUT1 deficiency syndrome 1, autosomal recessive. Identifiers: MedGen C3149117.
Childhood onset GLUT1 deficiency syndrome 2. Also called: Paroxysmal exercise-induced dystonia; Exertion-induced paroxysmal dyskinesia; GLUT1 deficiency syndrome 2; PAROXYSMAL EXERCISE-INDUCED DYSKINESIA WITH OR WITHOUT EPILEPSY AND/OR HEMOLYTIC ANEMIA; PAROXYSMAL EXERTION-INDUCED DYSTONIA WITH OR WITHOUT EPILEPSY AND/OR HEMOLYTIC ANEMIA; PED WITH OR WITHOUT EPILEPSY AND/OR HEMOLYTIC ANEMIA. Identifiers: Orphanet 98811, MedGen C1842534, MONDO:0012805, OMIM 612126.
Encephalopathy due to GLUT1 deficiency. Also called: Classic Glucose Transporter Type 1 Deficiency Syndrome; Glucose transporter protein syndrome; De Vivo disease; GLUT1 deficiency syndrome 1; GLUT1 deficiency syndrome 1, infantile onset, severe; GLUCOSE TRANSPORT DEFECT, BLOOD-BRAIN BARRIER. Identifiers: Orphanet 71277, MedGen C4551966, MONDO:0011724, OMIM 606777.
Hereditary cryohydrocytosis with reduced stomatin. Also called: Stomatin-deficient cryohydrocytosis with neurologic defects; GLUT1 DEFICIENCY SYNDROME WITH PSEUDOHYPERKALEMIA AND HEMOLYSIS. Identifiers: Orphanet 168577, MedGen C1837206, MONDO:0012143, OMIM 608885.

Allele frequency attached by ClinVar (database versions not stated): gnomAD exomes below 0.00001 and 0.00001.
gnomAD v4.1: 8 of 1,613,686 alleles (0.0005%); highest among the groups gnomAD compares: Non-Finnish European, 0.00068%; no homozygotes.

Submissions (7):

Genome-Nilou Lab
Classification: Uncertain significance for Epilepsy, idiopathic generalized, susceptibility to, 12. Last evaluated: 2023-04-11. Review status: criteria provided, single submitter. Criteria: ACMG Guidelines, 2015. Collection method: clinical testing. Allele origin: germline. Affected: no.

Genome-Nilou Lab
Classification: Uncertain significance for Dystonia 9. Last evaluated: 2023-04-11. Review status: criteria provided, single submitter. Criteria: ACMG Guidelines, 2015. Collection method: clinical testing. Allele origin: germline. Affected: no.

Genome-Nilou Lab
Classification: Uncertain significance for Encephalopathy due to GLUT1 deficiency. Last evaluated: 2023-04-11. Review status: criteria provided, single submitter. Criteria: ACMG Guidelines, 2015. Collection method: clinical testing. Allele origin: germline. Affected: no.

Genome-Nilou Lab
Classification: Uncertain significance for Childhood onset GLUT1 deficiency syndrome 2. Last evaluated: 2023-04-11. Review status: criteria provided, single submitter. Criteria: ACMG Guidelines, 2015. Collection method: clinical testing. Allele origin: germline. Affected: no.

Genome-Nilou Lab
Classification: Uncertain significance for Hereditary cryohydrocytosis with reduced stomatin. Last evaluated: 2023-04-11. Review status: criteria provided, single submitter. Criteria: ACMG Guidelines, 2015. Collection method: clinical testing. Allele origin: germline. Affected: no.

Labcorp Genetics (formerly Invitae), Labcorp
Classification: Uncertain significance for GLUT1 deficiency syndrome 1, autosomal recessive. Last evaluated: 2022-08-23. Review status: criteria provided, single submitter. Criteria: Invitae Variant Classification Sherloc (09022015). Collection method: clinical testing. Allele origin: germline.
Comment: In summary, the available evidence is currently insufficient to determine the role of this variant in disease. Therefore, it has been classified as a Variant of Uncertain Significance. Advanced modeling of protein sequence and biophysical properties (such as structural, functional, and spatial information, amino acid conservation, physicochemical variation, residue mobility, and thermodynamic stability) performed at Invitae indicates that this missense variant is expected to disrupt SLC2A1 protein function. ClinVar contains an entry for this variant (Variation ID: 665484). This variant has not been reported in the literature in individuals affected with SLC2A1-related conditions. The frequency data for this variant in the population databases is considered unreliable, as metrics indicate poor data quality at this position in the gnomAD database. This sequence change replaces arginine, which is basic and polar, with histidine, which is basic and polar, at codon 269 of the SLC2A1 protein (p.Arg269His).

Baylor Genetics
Classification: Uncertain significance for Dystonia 9. Last evaluated: 2019-07-10. Review status: criteria provided, single submitter. Criteria: ACMG Guidelines, 2015. Collection method: clinical testing. Allele origin: unknown. Affected: yes.
Comment: This variant was determined to be of uncertain significance according to ACMG Guidelines, 2015 [PMID:25741868].

NM_006516.4(SLC2A1):c.806G>A (p.Arg269His)

Gene: SLC2A1 (solute carrier family 2 member 1; minus strand). Cytogenetic location: 1p34.2.
Variant type: single nucleotide variant.
Coding change: c.806G>A on transcript NM_006516.4 (MANE Select); coding-DNA position 806, G replaced by A.
Protein change: p.Arg269His; replaces arginine 269 with histidine.
Molecular consequence: missense variant.
Genome position (GRCh38, 1-based): chr1:42,929,654, C>T on the plus strand (G>A on the coding strand, the complement: SLC2A1 is on the minus strand). VCF-style: chr1-42929654-C-T. GRCh37 (hg19) VCF-style: chr1-43395325-C-T.
Other names: short protein forms R269H.
Identifiers: ClinVar variation 665484 (VCV000665484.10), dbSNP rs1411827478, ClinGen allele CA339957541.